The following is an entry in ClinVar:

NM_020461.4(TUBGCP6):c.4948C>T (p.Arg1650Cys)

Gene: TUBGCP6 (tubulin gamma complex component 6; minus strand). Cytogenetic location: 22q13.33.
Variant type: single nucleotide variant.
Coding change: c.4948C>T on transcript NM_020461.4 (MANE Select); coding-DNA position 4948, C replaced by T.
Protein change: p.Arg1650Cys; replaces arginine 1650 with cysteine.
Molecular consequence: missense variant.
Genome position (GRCh38, 1-based): chr22:50,218,494, G>A on the plus strand (C>T on the coding strand, the complement: TUBGCP6 is on the minus strand). VCF-style: chr22-50218494-G-A. GRCh37 (hg19) VCF-style: chr22-50656923-G-A.
Other names: short protein forms R1650C.
Identifiers: ClinVar variation 1487370 (VCV001487370.5), dbSNP rs1485811676, ClinGen allele CA412165245.

ClinVar aggregate classification (germline): Uncertain significance. Review status: criteria provided, multiple submitters, no conflicts (2 of 4 stars). 2 submissions from 2 submitters: Uncertain significance (2). Last evaluated 2023-03-13.

Allele frequency attached by ClinVar (database versions not stated): gnomAD 0.00001; TOPMed 0.00002.
gnomAD v4.1: 10 of 1,613,452 alleles (0.00062%); highest among the groups gnomAD compares: South Asian, 0.0022%; no homozygotes.

Submissions (2):

Blueprint Genetics
Classification: Uncertain significance. Last evaluated: 2023-03-13. Review status: criteria provided, single submitter. Criteria: ACMG Guidelines, 2015. Collection method: clinical testing. Allele origin: germline.

Labcorp Genetics (formerly Invitae), Labcorp
Classification: Uncertain significance. Last evaluated: 2022-07-14. Review status: criteria provided, single submitter. Criteria: Invitae Variant Classification Sherloc (09022015). Collection method: clinical testing. Allele origin: germline.
Comment: In summary, the available evidence is currently insufficient to determine the role of this variant in disease. Therefore, it has been classified as a Variant of Uncertain Significance. Algorithms developed to predict the effect of missense changes on protein structure and function are either unavailable or do not agree on the potential impact of this missense change (SIFT: "Deleterious"; PolyPhen-2: "Probably Damaging"; Align-GVGD: "Class C0"). ClinVar contains an entry for this variant (Variation ID: 1487370). This variant has not been reported in the literature in individuals affected with TUBGCP6-related conditions. This variant is not present in population databases (gnomAD no frequency). This sequence change replaces arginine, which is basic and polar, with cysteine, which is neutral and slightly polar, at codon 1650 of the TUBGCP6 protein (p.Arg1650Cys).